The following is an entry in ClinVar:

ClinVar aggregate classification (germline): Uncertain significance (1 of 4 stars; one submission).

Submission:

Women's Health and Genetics/Laboratory Corporation of America, LabCorp
Classification: Uncertain significance. Last evaluated: 2026-04-14. Review status: criteria provided, single submitter. Criteria: LabCorp Variant Classification Summary - May 2015. Collection method: clinical testing. Allele origin: germline.
Comment: Variant summary: ABCC8 c.839G>A (p.Gly280Asp) results in a non-conservative amino acid change in the encoded protein sequence. Algorithms developed to predict the effect of missense changes on protein structure and function are either unavailable or do not agree on the potential impact of this missense change. The variant was absent in 246156 control chromosomes. The available data on variant occurrences in the general population are insufficient to allow any conclusion about variant significance. To our knowledge, no occurrence of c.839G>A in individuals affected with ABCC8-related conditions and no experimental evidence demonstrating its impact on protein function have been reported. No submitters have cited clinical-significance assessments for this variant to ClinVar. Based on the evidence outlined above, the variant was classified as uncertain significance.

NM_000352.6(ABCC8):c.839G>A (p.Gly280Asp)

Gene: ABCC8 (ATP binding cassette subfamily C member 8; minus strand). Cytogenetic location: 11p15.1.
Variant type: single nucleotide variant.
Coding change: c.839G>A on transcript NM_000352.6 (MANE Select); coding-DNA position 839, G replaced by A.
Protein change: p.Gly280Asp; replaces glycine 280 with aspartic acid.
Molecular consequence: missense variant. On other transcripts: non-coding transcript variant (1).
Genome position (GRCh38, 1-based): chr11:17,460,660, C>T on the plus strand (G>A on the coding strand, the complement: ABCC8 is on the minus strand). VCF-style: chr11-17460660-C-T. GRCh37 (hg19) VCF-style: chr11-17482207-C-T.
Other names: c.839G>A, p.Gly280Asp (NM_001287174.3, NM_001351295.2); c.836G>A, p.Gly279Asp (NM_001351296.2, NM_001351297.2); short protein forms G279D, G280D.
Identifiers: ClinVar variation 4848583 (VCV004848583.1).